The following is an entry in ClinVar:

NM_001378414.1(HDAC4):c.567G>A (p.Arg189=)

Gene: HDAC4 (histone deacetylase 4; minus strand). Cytogenetic location: 2q37.3.
Variant type: single nucleotide variant.
Coding change: c.567G>A on transcript NM_001378414.1 (MANE Select); coding-DNA position 567, G replaced by A.
Protein change: p.Arg189=; no amino-acid change (arginine 189 retained).
Molecular consequence: synonymous variant.
Genome position (GRCh38, 1-based): chr2:239,163,847, C>T on the plus strand (G>A on the coding strand, the complement: HDAC4 is on the minus strand). VCF-style: chr2-239163847-C-T. GRCh37 (hg19) VCF-style: chr2-240085543-C-T.
Other names: c.567G>A, p.Arg189= (NM_001378415.1, NM_001378416.1, NM_001378417.1 and 1 more transcripts); c.567G>A (NM_006037.3).
Identifiers: ClinVar variation 282939 (VCV000282939.39), dbSNP rs141942329, ClinGen allele CA2200211.

ClinVar aggregate classification (germline): Likely benign. Review status: criteria provided, multiple submitters, no conflicts (2 of 4 stars). 6 submissions from 6 submitters: Likely benign (5). 1 of the submissions does not count toward it. Last evaluated 2026-03-01.

Conditions:
HDAC4-related disorder. Also called: HDAC4-related condition.

Allele frequency attached by ClinVar (database versions not stated): 1000 Genomes Project 0.00040; 1000 Genomes Project 30x 0.00062; ESP Exome Variant Server 0.00062; TOPMed 0.00067.
gnomAD v4.1: 1,148 of 1,614,180 alleles (0.071%); highest among the groups gnomAD compares: Non-Finnish European, 0.082%; 3 homozygotes.

Submissions (6):

CeGaT Center for Human Genetics Tuebingen
Classification: Likely benign. Last evaluated: 2026-03-01. Review status: criteria provided, single submitter. Criteria: CeGaT Center For Human Genetics Tuebingen Variant Classification Criteria Version 2. Collection method: clinical testing. Allele origin: germline. Affected: yes. Observed: 8 variant alleles.
Comment: HDAC4: BP4, BP7

Labcorp Genetics (formerly Invitae), Labcorp
Classification: Likely benign. Last evaluated: 2025-11-28. Review status: criteria provided, single submitter. Criteria: Invitae Variant Classification Sherloc (09022015). Collection method: clinical testing. Allele origin: germline.

Blueprint Genetics
Classification: Likely benign. Last evaluated: 2024-11-24. Review status: criteria provided, single submitter. Criteria: ACMG Guidelines, 2015. Collection method: clinical testing. Allele origin: germline.

Eurofins Ntd Llc (ga)
Classification: Likely benign. Last evaluated: 2015-09-24. Review status: criteria provided, single submitter. Criteria: EGL Classification Definitions 2015. Collection method: clinical testing. Allele origin: germline. Observed: 1 variant allele, 1 heterozygote.

Breakthrough Genomics
Classification: Likely benign. Review status: criteria provided, single submitter. Criteria: ACMG Guidelines, 2015. Collection method: not provided. Allele origin: germline. Inheritance: Autosomal dominant inheritance. Affected: yes.

PreventionGenetics, part of Exact Sciences
Classification: Likely benign for HDAC4-related condition. Last evaluated: 2019-04-04. Review status: no assertion criteria provided. Collection method: clinical testing. Allele origin: germline. Not counted in ClinVar's aggregate classification.
Comment: This variant is classified as likely benign based on ACMG/AMP sequence variant interpretation guidelines (Richards et al. 2015 PMID: 25741868, with internal and published modifications).